The following is an entry in ClinVar:

ClinVar aggregate classification (germline): Uncertain significance. Review status: criteria provided, multiple submitters, no conflicts (2 of 4 stars). 2 submissions from 2 submitters: Uncertain significance (2). Last evaluated 2020-11-25.

Allele frequency attached by ClinVar (database versions not stated): 1000 Genomes Project 30x 0.00016; 1000 Genomes Project 0.00020.
gnomAD v4.1: 7 of 1,614,144 alleles (0.00043%); highest among the groups gnomAD compares: East Asian, 0.016%; no homozygotes.

Submissions (2):

GeneDx
Classification: Uncertain significance. Last evaluated: 2020-11-25. Review status: criteria provided, single submitter. Criteria: GeneDx Variant Classification Process June 2021. Collection method: clinical testing. Allele origin: germline. Affected: yes.
Comment: In silico analysis supports that this missense variant does not alter protein structure/function; This variant is associated with the following publications: (PMID: 28536718, 23216583)

Blueprint Genetics
Classification: Uncertain significance. Last evaluated: 2018-08-29. Review status: criteria provided, single submitter. Criteria: ACMG Guidelines, 2015. Collection method: clinical testing. Allele origin: germline.

NM_000552.5(VWF):c.7361C>A (p.Thr2454Asn)

Gene: VWF (von Willebrand factor; minus strand). Cytogenetic location: 12p13.31.
Variant type: single nucleotide variant.
Coding change: c.7361C>A on transcript NM_000552.5 (MANE Select); coding-DNA position 7361, C replaced by A.
Protein change: p.Thr2454Asn; replaces threonine 2454 with asparagine.
Molecular consequence: missense variant.
Genome position (GRCh38, 1-based): chr12:5,976,187, G>T on the plus strand (C>A on the coding strand, the complement: VWF is on the minus strand). VCF-style: chr12-5976187-G-T. GRCh37 (hg19) VCF-style: chr12-6085353-G-T.
Other names: short protein forms T2454N.
Identifiers: ClinVar variation 1304974 (VCV001304974.3), dbSNP rs200486416, ClinGen allele CA6401695.
Genomic context (GRCh38, chr12:5,976,187, plus strand): 5'-TCACAGGGCTTCTGGGAGCACTGGGCCACGCGGAGGCCCATCACGGCATCCTCCATGTCG[G>T]TGCAGGTGCACACATCGCAGCCCTCCTCCCAGAACTGGCCCACAGGGTAGATGGTGCTTC-3'
Protein context (NP_000543.3, residues 2444-2464): WEEGCDVCTC[Thr2454Asn]DMEDAVMGLR